The following is an entry in ClinVar:

NM_021098.3(CACNA1H):c.6530C>T (p.Pro2177Leu)

Gene: CACNA1H (calcium voltage-gated channel subunit alpha1 H; plus strand). Cytogenetic location: 16p13.3.
Variant type: single nucleotide variant.
Coding change: c.6530C>T on transcript NM_021098.3 (MANE Select); coding-DNA position 6530, C replaced by T.
Protein change: p.Pro2177Leu; replaces proline 2177 with leucine.
Molecular consequence: missense variant.
Genome position (GRCh38, 1-based): chr16:1,220,462, C>T. VCF-style: chr16-1220462-C-T. GRCh37 (hg19) VCF-style: chr16-1270462-C-T.
Other names: c.6512C>T, p.Pro2171Leu (NM_001005407.2); short protein forms P2171L, P2177L.
Identifiers: ClinVar variation 1318482 (VCV001318482.2), dbSNP rs774592173, ClinGen allele CA394149909.

ClinVar aggregate classification (germline): Uncertain significance (1 of 4 stars; one submission).

Allele frequency attached by ClinVar (database versions not stated): TOPMed below 0.00001; gnomAD 0.00001; 1000 Genomes Project 30x 0.00016.
gnomAD v4.1: 4 of 1,544,676 alleles (0.00026%); highest among the groups gnomAD compares: African/African-American, 0.0014%; no homozygotes.

Submission:

GeneDx
Classification: Uncertain significance. Last evaluated: 2019-08-21. Review status: criteria provided, single submitter. Criteria: GeneDx Variant Classification Process June 2021. Collection method: clinical testing. Allele origin: germline. Affected: yes.
Comment: Not observed in large population cohorts (Lek et al., 2016); In silico analysis, which includes protein predictors and evolutionary conservation, supports a deleterious effect; Has not been previously published as pathogenic or benign to our knowledge